The following is an entry in ClinVar:

NM_004370.6(COL12A1):c.6461-13G>A

Gene: COL12A1 (collagen type XII alpha 1 chain; minus strand). Cytogenetic location: 6q13.
Variant type: single nucleotide variant.
Coding change: c.6461-13G>A on transcript NM_004370.6 (MANE Select); 13 bases into the intron before coding-DNA position 6461, G replaced by A.
Molecular consequence: intron variant.
Genome position (GRCh38, 1-based): chr6:75,125,286, C>T on the plus strand (G>A on the coding strand, the complement: COL12A1 is on the minus strand). VCF-style: chr6-75125286-C-T. GRCh37 (hg19) VCF-style: chr6-75835002-C-T.
Other names: c.2969-13G>A (NM_080645.3).
Identifiers: ClinVar variation 1318822 (VCV001318822.2), dbSNP rs918304438, ClinGen allele CA140983408.

ClinVar aggregate classification (germline): Uncertain significance (1 of 4 stars; one submission).

Submission:

GeneDx
Classification: Uncertain significance. Last evaluated: 2019-07-18. Review status: criteria provided, single submitter. Criteria: GeneDx Variant Classification Process June 2021. Collection method: clinical testing. Allele origin: germline. Affected: yes.
Comment: Not observed in large population cohorts (Lek et al., 2016); Has not been previously published as pathogenic or benign to our knowledge; In-silico analysis, which includes splice predictors and evolutionary conservation, is inconclusive as to whether the variant alters gene splicing. In the absence of RNA/functional studies, the actual effect of this sequence change is unknown